The following is an entry in ClinVar:

ClinVar aggregate classification (germline): Benign (1 of 4 stars; one submission).

Conditions:
Familial cancer of breast. Also called: Hereditary breast cancer; hereditary breast carcinoma; BREAST CANCER, FAMILIAL. Identifiers: Orphanet 227535, MedGen C0346153, MONDO:0016419, OMIM 114480. Disease mechanism: loss of function.

Submission:

Myriad Genetics, Inc.
Classification: Benign for Familial cancer of breast. Last evaluated: 2025-01-10. Review status: criteria provided, single submitter. Criteria: Myriad Autosomal Dominant, Autosomal Recessive and X-Linked Classification Criteria (2023). Collection method: clinical testing. Allele origin: unknown.
Comment: This variant is considered benign. This variant is a silent/synonymous amino acid change and it is not expected to impact splicing.

NM_024675.4(PALB2):c.810C>T (p.Ser270=)

Gene: PALB2 (partner and localizer of BRCA2; minus strand). Cytogenetic location: 16p12.2.
Variant type: single nucleotide variant.
Coding change: c.810C>T on transcript NM_024675.4 (MANE Select); coding-DNA position 810, C replaced by T.
Protein change: p.Ser270=; no amino-acid change (serine 270 retained).
Molecular consequence: synonymous variant. On other transcripts: 5 prime UTR variant (8), intron variant (3).
Genome position (GRCh38, 1-based): chr16:23,635,736, G>A on the plus strand (C>T on the coding strand, the complement: PALB2 is on the minus strand). VCF-style: chr16-23635736-G-A. GRCh37 (hg19) VCF-style: chr16-23647057-G-A.
Other names: c.750C>T, p.Ser250= (NM_001407296.1); c.810C>T, p.Ser270= (NM_001407297.1, NM_001407298.1, NM_001407299.1 and 3 more transcripts); c.-76C>T (NM_001407304.1, NM_001407305.1, NM_001407306.1 and 5 more transcripts); c.48+5374C>T (NM_001407314.1); c.-104-5267C>T (NM_001407313.1, NM_001407312.1).
Identifiers: ClinVar variation 3903880 (VCV003903880.1).